The following is an entry in ClinVar:

NM_015001.3(SPEN):c.10814C>T (p.Ala3605Val)

Gene: SPEN (spen family transcriptional repressor; plus strand). Cytogenetic location: 1p36.13.
Variant type: single nucleotide variant.
Coding change: c.10814C>T on transcript NM_015001.3 (MANE Select); coding-DNA position 10814, C replaced by T.
Protein change: p.Ala3605Val; replaces alanine 3605 with valine.
Molecular consequence: missense variant.
Genome position (GRCh38, 1-based): chr1:15,938,827, C>T. VCF-style: chr1-15938827-C-T. GRCh37 (hg19) VCF-style: chr1-16265322-C-T.
Other names: short protein forms A3605V.
Identifiers: ClinVar variation 5030089 (VCV005030089.1).

ClinVar aggregate classification (germline): Uncertain significance (1 of 4 stars; one submission).

Conditions:
Inborn genetic diseases. Identifiers: MedGen C0950123, MeSH D030342.

gnomAD v4.1: 11 of 1,613,948 alleles (0.00068%); highest among the groups gnomAD compares: Admixed American, 0.005%; no homozygotes.

Submission:

Ambry Genetics
Classification: Uncertain significance for Inborn genetic diseases. Last evaluated: 2026-07-14. Review status: criteria provided, single submitter. Criteria: Ambry Variant Classification Scheme 2023. Collection method: clinical testing. Allele origin: germline.
Comment: The c.10814C>T (p.A3605V) alteration is located in exon 14 (coding exon 14) of the SPEN gene. This alteration results from a C to T substitution at nucleotide position 10814, causing the alanine (A) at amino acid position 3605 to be replaced by a valine (V). Based on data from gnomAD, the T allele has an overall frequency of 0.002% (4/251378) total alleles studied. The highest observed frequency was 0.033% (2/6138) of Other alleles. Based on insufficient or conflicting evidence, the clinical significance of this alteration remains unclear.